The following is an entry in ClinVar:

ClinVar aggregate classification (germline): Uncertain significance (1 of 4 stars; one submission).

Conditions:
Diamond-Blackfan anemia 8 (DBA8). Also called: RPS7-Related Diamond-Blackfan Anemia. Identifiers: Orphanet 124, MedGen C2675511, MONDO:0012939, OMIM 612563.

gnomAD v4.1: 1 of 1,613,700 alleles (0.000062%); no homozygotes.

Submission:

Labcorp Genetics (formerly Invitae), Labcorp
Classification: Uncertain significance for Diamond-Blackfan anemia 8. Last evaluated: 2024-03-07. Review status: criteria provided, single submitter. Criteria: Invitae Variant Classification Sherloc (09022015). Collection method: clinical testing. Allele origin: germline.
Comment: This sequence change replaces glutamic acid, which is acidic and polar, with valine, which is neutral and non-polar, at codon 131 of the RPS7 protein (p.Glu131Val). This variant is present in population databases (no rsID available, gnomAD 0.0009%). This variant has not been reported in the literature in individuals affected with RPS7-related conditions. An algorithm developed to predict the effect of missense changes on protein structure and function (PolyPhen-2) suggests that this variant is likely to be disruptive. In summary, the available evidence is currently insufficient to determine the role of this variant in disease. Therefore, it has been classified as a Variant of Uncertain Significance.

NM_001011.4(RPS7):c.392A>T (p.Glu131Val)

Gene: RPS7 (ribosomal protein S7; plus strand). Cytogenetic location: 2p25.3.
Variant type: single nucleotide variant.
Coding change: c.392A>T on transcript NM_001011.4 (MANE Select); coding-DNA position 392, A replaced by T.
Protein change: p.Glu131Val; replaces glutamic acid 131 with valine.
Molecular consequence: missense variant.
Genome position (GRCh38, 1-based): chr2:3,580,145, A>T. VCF-style: chr2-3580145-A-T. GRCh37 (hg19) VCF-style: chr2-3627735-A-T.
Other names: short protein forms E131V.
Identifiers: ClinVar variation 2731091 (VCV002731091.3), dbSNP rs1330571701, ClinGen allele CA345743401.